The following is an entry in ClinVar:

NM_001282112.2(TOP3B):c.2141G>A (p.Cys714Tyr)

Gene: TOP3B (DNA topoisomerase III beta; minus strand). Cytogenetic location: 22q11.22.
Variant type: single nucleotide variant.
Coding change: c.2141G>A on transcript NM_001282112.2 (MANE Select); coding-DNA position 2141, G replaced by A.
Protein change: p.Cys714Tyr; replaces cysteine 714 with tyrosine.
Molecular consequence: missense variant. On other transcripts: 3 prime UTR variant (2), non-coding transcript variant (1).
Genome position (GRCh38, 1-based): chr22:21,957,562, C>T on the plus strand (G>A on the coding strand, the complement: TOP3B is on the minus strand). VCF-style: chr22-21957562-C-T. GRCh37 (hg19) VCF-style: chr22-22311934-C-T.
Other names: c.2141G>A, p.Cys714Tyr (NM_001282113.2, NM_001349845.2, NM_001349847.2 and 1 more transcripts); c.1733G>A, p.Cys578Tyr (NM_001349848.2, NM_001349850.2); c.*844G>A (NM_001349851.2, NM_001349852.2); short protein forms C578Y, C714Y.
Identifiers: ClinVar variation 3460151 (VCV003460151.2), dbSNP rs887274171.

ClinVar aggregate classification (germline): Uncertain significance. Review status: criteria provided, multiple submitters, no conflicts (2 of 4 stars). 2 submissions from 2 submitters: Uncertain significance (2). Last evaluated 2025-10-08.

Conditions:
TOP3B-related neurodevelopmental condition.

Submissions (2):

Applied Translational Genetics Group, University of Auckland
Classification: Uncertain significance for TOP3B-related neurodevelopmental condition. Last evaluated: 2025-10-08. Review status: criteria provided, single submitter. Criteria: ACMG Guidelines, 2015. Collection method: research. Allele origin: paternal. Inheritance: Autosomal recessive inheritance. Affected: yes. Observed: 1 compound heterozygote.
Comment: NM_001282112.2:c.2141G>A is a missense mutation in the gene TOP3B that results in the substitution of cystine (a small hydrophobic amino acid) for tyrosine (a small neutral amino acid) at position 714. TOP3B has been linked to multiple neurological disorders, including schizophrenia (PMID: 28039324), autism (PMID: 23912948), and intellectual disability (PMID: 23912945). In-silico prediction aggregation tool Revel classifies the variant as Deleterious (Supporting) (0.67) (PP3). The variant has extremely low frequncy in the gnomAD population database (max subpopulation frequency 0.026%), as would be expected for a rare genetic condition (PM2). This variant was considered as a potential compound heterozygous variant along with NM_001282112.2:c.2510G>A. In summary, this variant meets criteria to be classified as a variant of unknown significance for TOP3B-related neurodevelopmental condition based on the ACMG/AMP criteria applied: PM2, PP3 NM_001282112.2:c.2510G>A Include info about other compound het variant here PM2, PP3

Ambry Genetics
Classification: Uncertain significance. Last evaluated: 2024-11-25. Review status: criteria provided, single submitter. Criteria: Ambry Variant Classification Scheme 2023. Collection method: clinical testing. Allele origin: germline.

Literature cited by the submitters: PubMed 40756852 (cited by Applied Translational Genetics Group, University of Auckland).